The following is an entry in ClinVar:

NM_000875.5(IGF1R):c.*62del

Gene: IGF1R (insulin like growth factor 1 receptor; plus strand). Cytogenetic location: 15q26.3.
Variant type: Deletion.
Coding change: c.*62del on transcript NM_000875.5 (MANE Select); 62 bases downstream of the stop codon, one base deleted (G; older notation c.*62delG).
Molecular consequence: 3 prime UTR variant.
Genome position (GRCh38, 1-based): chr15:98,957,504, G deleted; the last of 8 consecutive G bases (chr15:98,957,497-98,957,504); deleting any one gives the same sequence. VCF-style (leftmost placement, unchanged base first): chr15-98957496-TG-T. GRCh37 (hg19) VCF-style: chr15-99500725-TG-T.
Other names: c.*62del (NM_001291858.2).
Identifiers: ClinVar variation 2645737 (VCV002645737.24), dbSNP rs201734173, ClinGen allele CA275333205.

ClinVar aggregate classification (germline): Likely benign (1 of 4 stars; one submission).

Submission:

CeGaT Center for Human Genetics Tuebingen
Classification: Likely benign. Last evaluated: 2022-12-01. Review status: criteria provided, single submitter. Criteria: CeGaT Center For Human Genetics Tuebingen Variant Classification Criteria Version 2. Collection method: clinical testing. Allele origin: germline. Affected: yes. Observed: 1 variant allele.
Comment: IGF1R: BS2